The following is an entry in ClinVar:

ClinVar aggregate classification (germline): Pathogenic (1 of 4 stars; one submission).

Conditions:
Carnitine palmitoyltransferase II deficiency. Also called: Carnitine Palmitoyltransferase 2 Deficiency. Identifiers: Orphanet 157, MedGen C0342790, MONDO:0015515.

Submission:

Labcorp Genetics (formerly Invitae), Labcorp
Classification: Pathogenic for Carnitine palmitoyltransferase II deficiency. Last evaluated: 2024-05-04. Review status: criteria provided, single submitter. Criteria: Invitae Variant Classification Sherloc (09022015). Collection method: clinical testing. Allele origin: germline.
Comment: This sequence change creates a premature translational stop signal (p.Ile263Metfs*2) in the CPT2 gene. It is expected to result in an absent or disrupted protein product. Loss-of-function variants in CPT2 are known to be pathogenic (PMID: 16781677, 16996287). This variant is not present in population databases (gnomAD no frequency). This variant has not been reported in the literature in individuals affected with CPT2-related conditions. For these reasons, this variant has been classified as Pathogenic.

Literature cited by the submitters: PubMed 16781677; PubMed 16996287.

NM_000098.3(CPT2):c.789del (p.Ile263fs)

Gene: CPT2 (carnitine palmitoyltransferase 2; plus strand). Cytogenetic location: 1p32.3.
Variant type: Deletion.
Coding change: c.789del on transcript NM_000098.3 (MANE Select); coding-DNA position 789, one base deleted (T; older notation c.789delT).
Protein change: p.Ile263fs; shifts the reading frame from isoleucine 263.
Molecular consequence: frameshift variant.
Genome position (GRCh38, 1-based): chr1:53,210,463, T deleted; the last of 2 consecutive T bases (chr1:53,210,462-53,210,463); deleting either gives the same sequence. VCF-style (leftmost placement, unchanged base first): chr1-53210461-AT-A. GRCh37 (hg19) VCF-style: chr1-53676133-AT-A.
Other names: c.789del, p.Ile263fs (NM_001330589.2); short protein forms I263fs.
Identifiers: ClinVar variation 3651566 (VCV003651566.2).